The following is an entry in ClinVar:

ClinVar aggregate classification (germline): Uncertain significance (1 of 4 stars; one submission).

Allele frequency attached by ClinVar (database versions not stated): TOPMed below 0.00001; gnomAD 0.00001; ExAC 0.00002; gnomAD exomes 0.00006; ESP Exome Variant Server 0.00008.
gnomAD v4.1: 87 of 1,610,748 alleles (0.0054%); highest among the groups gnomAD compares: Non-Finnish European, 0.007%; no homozygotes.

Submission:

Labcorp Genetics (formerly Invitae), Labcorp
Classification: Uncertain significance. Last evaluated: 2025-09-17. Review status: criteria provided, single submitter. Criteria: Invitae Variant Classification Sherloc (09022015). Collection method: clinical testing. Allele origin: germline.
Comment: This sequence change falls in intron 33 of the HMCN1 gene. It does not directly change the encoded amino acid sequence of the HMCN1 protein. It affects a nucleotide within the consensus splice site. This variant is present in population databases (rs373243780, gnomAD 0.004%). This variant has not been reported in the literature in individuals affected with HMCN1-related conditions. ClinVar contains an entry for this variant (Variation ID: 2172173). Variants that disrupt the consensus splice site are a relatively common cause of aberrant splicing (PMID: 17576681, 9536098). Algorithms developed to predict the effect of sequence changes on RNA splicing suggest that this variant is not likely to affect RNA splicing. In summary, the available evidence is currently insufficient to determine the role of this variant in disease. Therefore, it has been classified as a Variant of Uncertain Significance.

Literature cited by the submitters: PubMed 17576681; PubMed 9536098.

NM_031935.3(HMCN1):c.5301-3T>C

Gene: HMCN1 (hemicentin 1; plus strand). Cytogenetic location: 1q31.1.
Variant type: single nucleotide variant.
Coding change: c.5301-3T>C on transcript NM_031935.3 (MANE Select); 3 bases into the intron before coding-DNA position 5301, T replaced by C.
Molecular consequence: intron variant.
Genome position (GRCh38, 1-based): chr1:186,018,180, T>C. VCF-style: chr1-186018180-T-C. GRCh37 (hg19) VCF-style: chr1-185987312-T-C.
Identifiers: ClinVar variation 2172173 (VCV002172173.4), dbSNP rs373243780, ClinGen allele CA1292239.
Genomic context (GRCh38, chr1:186,018,180, plus strand): 5'-TATCTTCTAGGATATGATTTACTTAAAATATTTATCCAGACTTCCTTTTGCCTTTTTCTA[T>C]AGGTGGCTGAAGGATGGCCAGTTAATTGATGAAAGGGATGGATTCAAGATTTTATTAAAT-3'